The following is an entry in ClinVar:

ClinVar aggregate classification (germline): Pathogenic. Review status: criteria provided, multiple submitters, no conflicts (2 of 4 stars). 5 submissions from 5 submitters: Pathogenic (4). 1 of the submissions does not count toward it. Last evaluated 2025-10-01.

Conditions:
MYO15A-related disorder. Also called: MYO15A-related condition.
Rare genetic deafness. Identifiers: Orphanet 96210, MedGen C5680250.

Submissions (5):

GeneDx
Classification: Pathogenic. Last evaluated: 2025-10-01. Review status: criteria provided, single submitter. Criteria: GeneDx Variant Classification Process June 2021. Collection method: clinical testing. Allele origin: germline. Affected: yes.
Comment: Nonsense variant predicted to result in protein truncation or nonsense mediated decay in a gene for which loss of function is a known mechanism of disease; Not observed at significant frequency in large population cohorts (gnomAD); Has not been previously published as pathogenic or benign to our knowledge

Blueprint Genetics
Classification: Pathogenic for MYO15A-related disorders. Last evaluated: 2024-09-10. Review status: criteria provided, single submitter. Criteria: ACMG Guidelines, 2015. Collection method: clinical testing. Allele origin: germline. Affected: yes. Observed: 5 variant alleles.

Labcorp Genetics (formerly Invitae), Labcorp
Classification: Pathogenic. Last evaluated: 2023-11-20. Review status: criteria provided, single submitter. Criteria: Invitae Variant Classification Sherloc (09022015). Collection method: clinical testing. Allele origin: germline.
Comment: This sequence change creates a premature translational stop signal (p.Phe2395*) in the MYO15A gene. It is expected to result in an absent or disrupted protein product. Loss-of-function variants in MYO15A are known to be pathogenic (PMID: 17546645). This variant is present in population databases (no rsID available, gnomAD 0.002%). This variant has not been reported in the literature in individuals affected with MYO15A-related conditions. ClinVar contains an entry for this variant (Variation ID: 451626). Algorithms developed to predict the effect of sequence changes on RNA splicing suggest that this variant may disrupt the consensus splice site. For these reasons, this variant has been classified as Pathogenic.

Laboratory for Molecular Medicine, Mass General Brigham Personalized Medicine
Classification: Pathogenic for Rare genetic deafness. Last evaluated: 2018-09-18. Review status: criteria provided, single submitter. Criteria: LMM Criteria. Collection method: clinical testing. Allele origin: germline. Inheritance: Autosomal recessive inheritance. Observed: 5 variant alleles.
Comment: This variant has also been identified in 0.002% ( 2/111718) of European chromosomes by gnomAD; however this frequency is low enough to be consistent with a recessive carrier f requency. This nonsense variant leads to a premature termination codon at positi on 2395, which is predicted to lead to a truncated or absent protein. Loss of MY O15A function is an established disease mechanism for autosomal recessive nonsyn dromic hearing loss. In summary, the p.Phe2395X variant meets criteria to be cla ssified as pathogenic for hearing loss in an autosomal recessive manner. ACMG/AM P Criteria applied: PVS1, PM2, PM3.

PreventionGenetics, part of Exact Sciences
Classification: Pathogenic for MYO15A-related condition. Last evaluated: 2024-08-26. Review status: no assertion criteria provided. Collection method: clinical testing. Allele origin: germline. Not counted in ClinVar's aggregate classification.
Comment: The MYO15A c.7184_7185delTT variant is predicted to result in premature protein termination (p.Phe2395*). To our knowledge, this variant has not been reported in the literature. This variant is reported in 0.0018% of alleles in individuals of European (Non-Finnish) descent in gnomAD and has been interpreted as pathogenic in ClinVar. Nonsense variants in MYO15A are expected to be pathogenic. This variant is interpreted as pathogenic.

Literature cited by the submitters: PubMed 17546645 (cited by Labcorp Genetics (formerly Invitae), Labcorp).

NM_016239.4(MYO15A):c.7184_7185del (p.Leu2394_Phe2395insTer)

Gene: MYO15A (myosin XVA; plus strand). Cytogenetic location: 17p11.2.
Variant type: Deletion.
Coding change: c.7184_7185del on transcript NM_016239.4 (MANE Select); coding-DNA positions 7184 to 7185, 2 bases deleted (TT; older notation c.7184_7185delTT).
Protein change: p.Leu2394_Phe2395insTer.
Molecular consequence: nonsense.
Genome position (GRCh38, 1-based): chr17:18,149,552-18,149,553, TT deleted; deleting any 2 consecutive bases within chr17:18,149,551-18,149,553 gives the same sequence; the c. name uses the placement nearest the transcript's 3' end. VCF-style (leftmost placement, unchanged base first): chr17-18149550-CTT-C. GRCh37 (hg19) VCF-style: chr17-18052864-CTT-C.
Other names: c.7184_7185delTT (NM_016239.3).
Identifiers: ClinVar variation 451626 (VCV000451626.13), dbSNP rs1415858976, ClinGen allele CA625315146.